The following is an entry in ClinVar:

ClinVar aggregate classification (germline): Uncertain significance (1 of 4 stars; one submission).

Allele frequency attached by ClinVar (database versions not stated): gnomAD exomes below 0.00001; gnomAD 0.00001; TOPMed 0.00001.
gnomAD v4.1: 2 of 1,613,424 alleles (0.00012%); highest among the groups gnomAD compares: Admixed American, 0.0017%; no homozygotes.

Submission:

GeneDx
Classification: Uncertain significance. Last evaluated: 2021-04-09. Review status: criteria provided, single submitter. Criteria: GeneDx Variant Classification Process June 2021. Collection method: clinical testing. Allele origin: germline. Affected: yes.
Comment: Not observed in large population cohorts (Lek et al., 2016); Missense variant in a gene in which most reported pathogenic variants are truncating/loss-of-function; Has not been previously published as pathogenic or benign to our knowledge

NM_001267550.2(TTN):c.21940G>A (p.Gly7314Arg)

Gene: TTN (titin; minus strand). Cytogenetic location: 2q31.2.
Variant type: single nucleotide variant.
Coding change: c.21940G>A on transcript NM_001267550.2 (MANE Select); coding-DNA position 21940, G replaced by A.
Protein change: p.Gly7314Arg; replaces glycine 7314 with arginine.
Molecular consequence: missense variant. On other transcripts: intron variant (3).
Genome position (GRCh38, 1-based): chr2:178,723,067, C>T on the plus strand (G>A on the coding strand, the complement: TTN is on the minus strand). VCF-style: chr2-178723067-C-T. GRCh37 (hg19) VCF-style: chr2-179587794-C-T.
Other names: c.20989G>A, p.Gly6997Arg (NM_001256850.1); c.18208G>A, p.Gly6070Arg (NM_133378.4); c.13282+15015G>A (NM_003319.4); c.13858+15015G>A (NM_133437.4); c.13657+15015G>A (NM_133432.3); short protein forms G6070R, G6997R, G7314R.
Identifiers: ClinVar variation 1314393 (VCV001314393.2), dbSNP rs2078695205, ClinGen allele CA349530139.
Genomic context (GRCh38, chr2:178,723,067, plus strand): 5'-AAGAATGCAAATGATTTAAGAGACAATAAGACAACACACCTAATGTAGATACCAGAGCTC[C>T]ACAAACATCCCTTCCTGCCTCATTTTCAATCTCGCAGGAATACTGCCCTGCATCTCTTTT-3'
Protein context (NP_001254479.2, residues 7304-7324): IENEAGRDVC[Gly7314Arg]ALVSTLEPPY